The following is an entry in ClinVar:

ClinVar aggregate classification (germline): Uncertain significance. Review status: criteria provided, multiple submitters, no conflicts (2 of 4 stars). 2 submissions from 2 submitters: Uncertain significance (2). Last evaluated 2025-11-17.

Allele frequency attached by ClinVar (database versions not stated): gnomAD 0.00001; TOPMed 0.00001.
gnomAD v4.1: 1 of 1,613,628 alleles (0.000062%); highest among the groups gnomAD compares: African/African-American, 0.0013%; no homozygotes.

Submissions (2):

Women's Health and Genetics/Laboratory Corporation of America, LabCorp
Classification: Uncertain significance. Last evaluated: 2025-11-17. Review status: criteria provided, single submitter. Criteria: LabCorp Variant Classification Summary - May 2015. Collection method: clinical testing. Allele origin: germline.

GeneDx
Classification: Uncertain significance. Last evaluated: 2016-02-28. Review status: criteria provided, single submitter. Criteria: GeneDx Variant Classification (06012015). Collection method: clinical testing. Allele origin: germline. Affected: yes.
Comment: The F404L variant in the COL5A1 gene has not been reported previously as a pathogenic variant, nor as a benign variant, to our knowledge. The F404L variant was not observed in approximately 6,500 individuals of European and African American ancestry in the NHLBI Exome Sequencing Project, indicating it is not a common benign variant in these populations. The F404L variant is a conservative amino acid substitution, which occurs at a position that is conserved across species. However, in silico analysis is inconsistent in its predictions as to whether or not the variant is damaging to the protein structure/function. We interpret F404L as a variant of uncertain significance.

NM_000093.5(COL5A1):c.1210T>C (p.Phe404Leu)

Gene: COL5A1 (collagen type V alpha 1 chain; plus strand). Cytogenetic location: 9q34.3.
Variant type: single nucleotide variant.
Coding change: c.1210T>C on transcript NM_000093.5 (MANE Select); coding-DNA position 1210, T replaced by C.
Protein change: p.Phe404Leu; replaces phenylalanine 404 with leucine.
Molecular consequence: missense variant.
Genome position (GRCh38, 1-based): chr9:134,731,541, T>C. VCF-style: chr9-134731541-T-C. GRCh37 (hg19) VCF-style: chr9-137623387-T-C.
Other names: c.1210T>C, p.Phe404Leu (NM_001278074.1); short protein forms F404L.
Identifiers: ClinVar variation 420612 (VCV000420612.3), dbSNP rs1052185173, ClinGen allele CA16618785.